The following is an entry in ClinVar:

NM_006594.5(AP4B1):c.-78C>T

Genes: AP4B1 (adaptor related protein complex 4 subunit beta 1; minus strand), DCLRE1B (DNA cross-link repair 1B; plus strand), LOC129931235 (ATAC-STARR-seq lymphoblastoid active region 1540; plus strand). Cytogenetic location: 1p13.2.
Variant type: single nucleotide variant.
Coding change: c.-78C>T on transcript NM_006594.5; 78 bases upstream of the start codon, C replaced by T.
Molecular consequence: 5 prime UTR variant. On other transcripts: intron variant (1).
Genome position (GRCh38, 1-based): chr1:113,904,943, G>A on the plus strand (C>T on the coding strand, the complement: AP4B1 is on the minus strand). VCF-style: chr1-113904943-G-A. GRCh37 (hg19) VCF-style: chr1-114447565-G-A.
Other names: c.-247C>T (NM_001253853.3); c.-78C>T (NM_001437822.1, NM_001438374.1, NM_001438375.1 and 3 more transcripts); c.-99C>T (NM_001438373.1); c.-331+235G>A (NM_001319947.2).
Identifiers: ClinVar variation 380767 (VCV000380767.4), dbSNP rs1217397, ClinGen allele CA10906954.

ClinVar aggregate classification (germline): Benign. Review status: criteria provided, multiple submitters, no conflicts (2 of 4 stars). 2 submissions from 2 submitters: Benign (2). Last evaluated 2016-02-12.

Allele frequency attached by ClinVar (database versions not stated): gnomAD exomes 0.27621; gnomAD 0.34989 and 0.35939; TOPMed 0.35308; 1000 Genomes Project 0.32947; 1000 Genomes Project 30x 0.33869.
gnomAD v4.1: 153,932 of 515,762 alleles (30%); highest among the groups gnomAD compares: African/African-American, 57%; 26,127 homozygotes.

Submissions (2):

GeneDx
Classification: Benign. Last evaluated: 2016-02-12. Review status: criteria provided, single submitter. Criteria: GeneDx Variant Classification (06012015). Collection method: clinical testing. Allele origin: germline. Affected: yes.
Comment: This variant is considered likely benign or benign based on one or more of the following criteria: it is a conservative change, it occurs at a poorly conserved position in the protein, it is predicted to be benign by multiple in silico algorithms, and/or has population frequency not consistent with disease.

Breakthrough Genomics
Classification: Benign. Review status: criteria provided, single submitter. Criteria: ACMG Guidelines, 2015. Collection method: not provided. Allele origin: germline. Inheritance: Autosomal recessive inheritance. Affected: yes.